The following is an entry in ClinVar:

NM_003873.7(NRP1):c.49G>T (p.Ala17Ser)

Gene: NRP1 (neuropilin 1; minus strand). Cytogenetic location: 10p11.22.
Variant type: single nucleotide variant.
Coding change: c.49G>T on transcript NM_003873.7 (MANE Select); coding-DNA position 49, G replaced by T.
Protein change: p.Ala17Ser; replaces alanine 17 with serine.
Molecular consequence: missense variant. On other transcripts: non-coding transcript variant (1).
Genome position (GRCh38, 1-based): chr10:33,334,334, C>A on the plus strand (G>T on the coding strand, the complement: NRP1 is on the minus strand). VCF-style: chr10-33334334-C-A. GRCh37 (hg19) VCF-style: chr10-33623262-C-A.
Other names: c.49G>T, p.Ala17Ser (NM_001024628.3, NM_001024629.3, NM_001244972.2 and 2 more transcripts); short protein forms A17S.
Identifiers: ClinVar variation 2636547 (VCV002636547.2), dbSNP rs2493508273, ClinGen allele CA376510487.

ClinVar aggregate classification (germline): Uncertain significance (1 of 4 stars; one submission).

Conditions:
NRP1-related disorder. Also called: NRP1-related condition.

Allele frequency attached by ClinVar (database versions not stated): gnomAD exomes below 0.00001.

Submission:

PreventionGenetics, part of Exact Sciences
Classification: Uncertain significance for NRP1-related condition. Last evaluated: 2025-09-03. Review status: criteria provided, single submitter. Criteria: ACMG Guidelines, 2015. Collection method: clinical testing. Allele origin: germline.
Comment: The NRP1 c.49G>T variant is predicted to result in the amino acid substitution p.Ala17Ser. To our knowledge, this variant has not been reported in the literature or in a large population database (gnomAD), indicating this variant is rare. At this time, the clinical significance of this variant is uncertain due to the absence of conclusive functional and genetic evidence.